The following is an entry in ClinVar:

NM_017612.5(ZCCHC8):c.1370A>T (p.Gln457Leu)

Gene: ZCCHC8 (zinc finger CCHC-type containing 8; minus strand). Cytogenetic location: 12q24.31.
Variant type: single nucleotide variant.
Coding change: c.1370A>T on transcript NM_017612.5 (MANE Select); coding-DNA position 1370, A replaced by T.
Protein change: p.Gln457Leu; replaces glutamine 457 with leucine.
Molecular consequence: missense variant.
Genome position (GRCh38, 1-based): chr12:122,474,251, T>A on the plus strand (A>T on the coding strand, the complement: ZCCHC8 is on the minus strand). VCF-style: chr12-122474251-T-A. GRCh37 (hg19) VCF-style: chr12-122958798-T-A.
Other names: c.1139A>T, p.Gln380Leu (NM_001350935.2); c.1073A>T, p.Gln358Leu (NM_001350936.2); c.656A>T, p.Gln219Leu (NM_001350937.2, NM_001350938.2); short protein forms Q219L, Q457L, Q358L, Q380L.
Identifiers: ClinVar variation 1462451 (VCV001462451.7), dbSNP rs564778717, ClinGen allele CA6846184.

ClinVar aggregate classification (germline): Uncertain significance. Review status: criteria provided, multiple submitters, no conflicts (2 of 4 stars). 2 submissions from 2 submitters: Uncertain significance (2). Last evaluated 2025-01-06.

Conditions:
Pulmonary fibrosis and/or bone marrow failure, telomere-related, 5. Identifiers: MedGen C5231457, MONDO:0032865, OMIM 618674.

Allele frequency attached by ClinVar (database versions not stated): gnomAD exomes below 0.00001 and 0.00001; gnomAD 0.00001 and 0.00002; TOPMed 0.00001; ExAC 0.00002; 1000 Genomes Project 0.00020; 1000 Genomes Project 30x 0.00031.
gnomAD v4.1: 7 of 1,465,412 alleles (0.00048%); highest among the groups gnomAD compares: African/African-American, 0.01%; no homozygotes.

Submissions (2):

Labcorp Genetics (formerly Invitae), Labcorp
Classification: Uncertain significance. Last evaluated: 2025-01-06. Review status: criteria provided, single submitter. Criteria: Invitae Variant Classification Sherloc (09022015). Collection method: clinical testing. Allele origin: germline.
Comment: This sequence change replaces glutamine, which is neutral and polar, with leucine, which is neutral and non-polar, at codon 457 of the ZCCHC8 protein (p.Gln457Leu). This variant is present in population databases (rs564778717, gnomAD 0.02%). This variant has not been reported in the literature in individuals affected with ZCCHC8-related conditions. ClinVar contains an entry for this variant (Variation ID: 1462451). Invitae Evidence Modeling of protein sequence and biophysical properties (such as structural, functional, and spatial information, amino acid conservation, physicochemical variation, residue mobility, and thermodynamic stability) indicates that this missense variant is not expected to disrupt ZCCHC8 protein function with a negative predictive value of 80%. In summary, the available evidence is currently insufficient to determine the role of this variant in disease. Therefore, it has been classified as a Variant of Uncertain Significance.

Johns Hopkins Genomics, Johns Hopkins University
Classification: Uncertain significance for Pulmonary fibrosis and/or bone marrow failure, telomere-related, 5. Last evaluated: 2024-01-11. Review status: criteria provided, single submitter. Criteria: ACMG Guidelines, 2015. Collection method: clinical testing. Allele origin: germline.
Comment: This ZCCHC8 missense variant (rs564778717) is rare (<0.1%) in a large population dataset (gnomAD v4.0.0: 7/1465412 total alleles; 0.0005%; no homozygotes). It has been reported in ClinVar (Variation ID 1462451), but has not been reported in the literature, to our knowledge. Two bioinformatic tools queried predict that this substitution would be tolerated, and the glutamine residue at this position is evolutionarily conserved across a few of the species assessed, while most have a different amino acid including several with leucine. We consider the clinical significance of c.1370A>T in ZCCHC8 to be uncertain at this time.